The following is an entry in ClinVar:

NM_000059.4(BRCA2):c.4081C>G (p.Gln1361Glu)

Gene: BRCA2 (BRCA2 DNA repair associated; plus strand). Cytogenetic location: 13q13.1.
Variant type: single nucleotide variant.
Coding change: c.4081C>G on transcript NM_000059.4 (MANE Select); coding-DNA position 4081, C replaced by G.
Protein change: p.Gln1361Glu; replaces glutamine 1361 with glutamic acid.
Molecular consequence: missense variant.
Genome position (GRCh38, 1-based): chr13:32,338,436, C>G. VCF-style: chr13-32338436-C-G. GRCh37 (hg19) VCF-style: chr13-32912573-C-G.
Other names: short protein forms Q1361E.
Identifiers: ClinVar variation 135799 (VCV000135799.16), dbSNP rs587780652, ClinGen allele CA019486.

ClinVar aggregate classification (germline): Conflicting classifications of pathogenicity. Review status: criteria provided, conflicting classifications (1 of 4 stars). 5 submissions from 5 submitters: Uncertain significance (4); Likely benign (1). Last evaluated 2026-01-10.

Conditions:
Hereditary cancer-predisposing syndrome. Also called: Tumor predisposition; Hereditary neoplastic syndrome; Neoplastic Syndromes, Hereditary; Hereditary Cancer Syndrome. Identifiers: Orphanet 140162, MedGen C0027672, MeSH D009386, MONDO:0015356.
Familial cancer of breast. Also called: BREAST CANCER, FAMILIAL; Hereditary breast cancer; hereditary breast carcinoma. Identifiers: Orphanet 227535, MedGen C0346153, MONDO:0016419, OMIM 114480. Disease mechanism: loss of function.
Breast-ovarian cancer, familial, susceptibility to, 2 (BROVCA2). Also called: BRCA2 Hereditary Breast and Ovarian Cancer. Identifiers: Orphanet 145, MedGen C2675520, MONDO:0012933, OMIM 612555. Disease mechanism: loss of function.
Hereditary breast ovarian cancer syndrome. Also called: Hereditary breast and ovarian cancer syndrome; Hereditary breast and ovarian cancer; Hereditary breast and ovarian cancer syndrome (HBOC); Breast and ovarian cancer; BRCA1- and BRCA2-Associated Hereditary Breast and Ovarian Cancer; Hereditary breast and/or ovarian cancer syndrome. Identifiers: Orphanet 145, MedGen C0677776, MeSH D061325, MONDO:0003582. Disease mechanism: loss of function.

Allele frequency attached by ClinVar (database versions not stated): gnomAD exomes below 0.00001.

Submissions (5):

Labcorp Genetics (formerly Invitae), Labcorp
Classification: Uncertain significance for Hereditary breast ovarian cancer syndrome. Last evaluated: 2026-01-10. Review status: criteria provided, single submitter. Criteria: Invitae Variant Classification Sherloc (09022015). Collection method: clinical testing. Allele origin: germline.
Comment: This sequence change replaces glutamine, which is neutral and polar, with glutamic acid, which is acidic and polar, at codon 1361 of the BRCA2 protein (p.Gln1361Glu). This variant is not present in population databases (gnomAD no frequency). This variant has not been reported in the literature in individuals affected with BRCA2-related conditions. ClinVar contains an entry for this variant (Variation ID: 135799). Invitae Evidence Modeling of protein sequence and biophysical properties (such as structural, functional, and spatial information, amino acid conservation, physicochemical variation, residue mobility, and thermodynamic stability) indicates that this missense variant is not expected to disrupt BRCA2 protein function with a negative predictive value of 95%. In summary, the available evidence is currently insufficient to determine the role of this variant in disease. Therefore, it has been classified as a Variant of Uncertain Significance.

Department of Pathology and Laboratory Medicine, Sinai Health System
Classification: Uncertain significance for Familial cancer of breast; Breast-ovarian cancer, familial, susceptibility to, 2. Last evaluated: 2024-02-05. Review status: criteria provided, single submitter. Criteria: ACMG Guidelines, 2015. Collection method: clinical testing. Allele origin: germline. Affected: yes.

University of Washington Department of Laboratory Medicine, University of Washington
Classification: Likely benign for Hereditary cancer-predisposing syndrome. Last evaluated: 2023-03-23. Review status: criteria provided, single submitter. Criteria: Dines et al. (Genet Med. 2020). Collection method: curation. Allele origin: germline.
Comment: Missense variant in a coldspot region where missense variants are very unlikely to be pathogenic (PMID:31911673).

BRCA2 exon 11 coldspot. Reclassification based on statistical prior probability.

Ambry Genetics
Classification: Uncertain significance for Hereditary cancer-predisposing syndrome. Last evaluated: 2019-04-26. Review status: criteria provided, single submitter. Criteria: Ambry Variant Classification Scheme 2023. Collection method: clinical testing. Allele origin: germline.
Comment: The p.Q1361E variant (also known as c.4081C>G), located in coding exon 10 of the BRCA2 gene, results from a C to G substitution at nucleotide position 4081. The glutamine at codon 1361 is replaced by glutamic acid, an amino acid with highly similar properties. This amino acid position is well conserved in available vertebrate species. In addition, this alteration is predicted to be tolerated by in silico analysis. Since supporting evidence is limited at this time, the clinical significance of this alteration remains unclear.

Women's Health and Genetics/Laboratory Corporation of America, LabCorp
Classification: Uncertain significance. Last evaluated: 2017-09-18. Review status: criteria provided, single submitter. Criteria: LabCorp Variant Classification Summary - May 2015. Collection method: clinical testing. Allele origin: germline.
Comment: Variant summary: The BRCA2 c.4081C>G (p.Gln1361Glu) variant involves the alteration of a non-conserved nucleotide. 3/5 in silico tools predict a benign outcome for this variant. This variant is absent in 244260 control chromosomes. One clinical diagnostic laboratory/reputable database classified this variant as uncertain significance. The variant of interest has not, to our knowledge, been reported in affected individuals via publications nor evaluated for functional impact by in vivo/vitro studies. Because of the absence of clinical information and the lack of functional studies, the variant is classified as a variant of uncertain significance (VUS) until additional information becomes available.